The following is an entry in ClinVar:

NM_001429.4(EP300):c.5807C>T (p.Ala1936Val)

Gene: EP300 (EP300 lysine acetyltransferase; plus strand). Cytogenetic location: 22q13.2.
Variant type: single nucleotide variant.
Coding change: c.5807C>T on transcript NM_001429.4 (MANE Select); coding-DNA position 5807, C replaced by T.
Protein change: p.Ala1936Val; replaces alanine 1936 with valine.
Molecular consequence: missense variant.
Genome position (GRCh38, 1-based): chr22:41,177,518, C>T. VCF-style: chr22-41177518-C-T. GRCh37 (hg19) VCF-style: chr22-41573522-C-T.
Other names: c.5729C>T, p.Ala1910Val (NM_001362843.2); short protein forms A1910V, A1936V.
Identifiers: ClinVar variation 1498886 (VCV001498886.8), dbSNP rs1301825643, ClinGen allele CA411709979.

ClinVar aggregate classification (germline): Uncertain significance (1 of 4 stars; one submission).

Conditions:
Rubinstein-Taybi syndrome due to EP300 haploinsufficiency. Also called: RUBINSTEIN-TAYBI SYNDROME 2; EP300-Related Rubinstein-Taybi Syndrome. Identifiers: Orphanet 353284, Orphanet 783, MedGen C3150941, MONDO:0013364, OMIM 613684.

Allele frequency attached by ClinVar (database versions not stated): gnomAD exomes below 0.00001.
gnomAD v4.1: 4 of 1,614,190 alleles (0.00025%); highest among the groups gnomAD compares: Non-Finnish European, 0.00025%; no homozygotes.

Submission:

Labcorp Genetics (formerly Invitae), Labcorp
Classification: Uncertain significance for Rubinstein-Taybi syndrome due to EP300 haploinsufficiency. Last evaluated: 2022-02-05. Review status: criteria provided, single submitter. Criteria: Invitae Variant Classification Sherloc (09022015). Collection method: clinical testing. Allele origin: germline.
Comment: Advanced modeling of protein sequence and biophysical properties (such as structural, functional, and spatial information, amino acid conservation, physicochemical variation, residue mobility, and thermodynamic stability) performed at Invitae indicates that this missense variant is expected to disrupt EP300 protein function. This sequence change replaces alanine, which is neutral and non-polar, with valine, which is neutral and non-polar, at codon 1936 of the EP300 protein (p.Ala1936Val). The frequency data for this variant in the population databases is considered unreliable, as metrics indicate poor data quality at this position in the gnomAD database. This variant has not been reported in the literature in individuals affected with EP300-related conditions. In summary, the available evidence is currently insufficient to determine the role of this variant in disease. Therefore, it has been classified as a Variant of Uncertain Significance.